The following is an entry in ClinVar:

ClinVar aggregate classification (germline): Uncertain significance. Review status: criteria provided, multiple submitters, no conflicts (2 of 4 stars). 2 submissions from 2 submitters: Uncertain significance (2). Last evaluated 2024-12-30.

Conditions:
Inborn genetic diseases. Identifiers: MedGen C0950123, MeSH D030342.

Allele frequency attached by ClinVar (database versions not stated): gnomAD 0.00003 and 0.00004; TOPMed 0.00011.
gnomAD v4.1: 7 of 1,613,590 alleles (0.00043%); highest among the groups gnomAD compares: Admixed American, 0.0033%; no homozygotes.

Submissions (2):

Labcorp Genetics (formerly Invitae), Labcorp
Classification: Uncertain significance. Last evaluated: 2024-12-30. Review status: criteria provided, single submitter. Criteria: Invitae Variant Classification Sherloc (09022015). Collection method: clinical testing. Allele origin: germline.
Comment: This sequence change replaces asparagine, which is neutral and polar, with lysine, which is basic and polar, at codon 914 of the RP1 protein (p.Asn914Lys). This variant is present in population databases (no rsID available, gnomAD 0.003%). This variant has not been reported in the literature in individuals affected with RP1-related conditions. ClinVar contains an entry for this variant (Variation ID: 955790). An algorithm developed to predict the effect of missense changes on protein structure and function (PolyPhen-2) suggests that this variant is likely to be tolerated. In summary, the available evidence is currently insufficient to determine the role of this variant in disease. Therefore, it has been classified as a Variant of Uncertain Significance.

Ambry Genetics
Classification: Uncertain significance for Inborn genetic diseases. Last evaluated: 2021-08-10. Review status: criteria provided, single submitter. Criteria: Ambry Variant Classification Scheme 2023. Collection method: clinical testing. Allele origin: germline.

NM_006269.2(RP1):c.2742T>G (p.Asn914Lys)

Gene: RP1 (RP1 axonemal microtubule associated; plus strand). Cytogenetic location: 8q12.1.
Variant type: single nucleotide variant.
Coding change: c.2742T>G on transcript NM_006269.2 (MANE Select); coding-DNA position 2742, T replaced by G.
Protein change: p.Asn914Lys; replaces asparagine 914 with lysine.
Molecular consequence: missense variant. On other transcripts: intron variant (1).
Genome position (GRCh38, 1-based): chr8:54,626,624, T>G. VCF-style: chr8-54626624-T-G. GRCh37 (hg19) VCF-style: chr8-55539184-T-G.
Other names: c.787+4336T>G (NM_001375654.1); short protein forms N914K.
Identifiers: ClinVar variation 955790 (VCV000955790.8), dbSNP rs1167023212, ClinGen allele CA370994521.